The following is an entry in ClinVar:

ClinVar aggregate classification (germline): Uncertain significance (1 of 4 stars; one submission).

Submission:

Labcorp Genetics (formerly Invitae), Labcorp
Classification: Uncertain significance. Last evaluated: 2022-12-01. Review status: criteria provided, single submitter. Criteria: Invitae Variant Classification Sherloc (09022015). Collection method: clinical testing. Allele origin: germline.
Comment: This variant has not been reported in the literature in individuals affected with SRP72-related conditions. In summary, the available evidence is currently insufficient to determine the role of this variant in disease. Therefore, it has been classified as a Variant of Uncertain Significance. This variant is not present in population databases (gnomAD no frequency). This sequence change creates a premature translational stop signal (p.Leu91*) in the SRP72 gene. It is expected to result in an absent or disrupted protein product. However, the current clinical and genetic evidence is not sufficient to establish whether loss-of-function variants in SRP72 cause disease.

NM_006947.4(SRP72):c.271del (p.Arg90_Leu91insTer)

Gene: SRP72 (signal recognition particle 72; plus strand). Cytogenetic location: 4q12.
Variant type: Deletion.
Coding change: c.271del on transcript NM_006947.4 (MANE Select); coding-DNA position 271, one base deleted (C; older notation c.271delC).
Protein change: p.Arg90_Leu91insTer.
Molecular consequence: nonsense. On other transcripts: non-coding transcript variant (1).
Genome position (GRCh38, 1-based): chr4:56,471,760, C deleted. VCF-style (leftmost placement, unchanged base first): chr4-56471759-GC-G. GRCh37 (hg19) VCF-style: chr4-57337925-GC-G.
Other names: c.271del, p.Arg90_Leu91insTer (NM_001267722.2).
Identifiers: ClinVar variation 2816609 (VCV002816609.3), dbSNP rs2545746901, ClinGen allele CA2739270087.